The following is an entry in ClinVar:

ClinVar aggregate classification (germline): Uncertain significance. Review status: criteria provided, multiple submitters, no conflicts (2 of 4 stars). 2 submissions from 2 submitters: Uncertain significance (2). Last evaluated 2025-09-24.

gnomAD v4.1: 38 of 1,613,014 alleles (0.0024%); highest among the groups gnomAD compares: African/African-American, 0.045%; no homozygotes.

Submissions (2):

Dasa
Classification: Uncertain significance. Last evaluated: 2025-09-24. Review status: criteria provided, single submitter. Criteria: DASA Assertion Criteria. Collection method: clinical testing. Allele origin: germline.
Comment: NM_005994.4(TBX2):c.442A>C (p.Lys148Gln) is a missense variant that results in the substitution of lysine with glutamine. This variant is rare in population databases. The currently available literature and clinical evidence are not sufficient to establish a definitive association between this variant and the reported condition. Therefore, this variant is classified as a variant of uncertain significance.

Ambry Genetics
Classification: Uncertain significance. Last evaluated: 2024-09-20. Review status: criteria provided, single submitter. Criteria: Ambry Variant Classification Scheme 2023. Collection method: clinical testing. Allele origin: germline.

NM_005994.4(TBX2):c.442A>C (p.Lys148Gln)

Gene: TBX2 (T-box transcription factor 2; plus strand). Cytogenetic location: 17q23.2.
Variant type: single nucleotide variant.
Coding change: c.442A>C on transcript NM_005994.4 (MANE Select); coding-DNA position 442, A replaced by C.
Protein change: p.Lys148Gln; replaces lysine 148 with glutamine.
Molecular consequence: missense variant.
Genome position (GRCh38, 1-based): chr17:61,401,730, A>C. VCF-style: chr17-61401730-A-C. GRCh37 (hg19) VCF-style: chr17-59479091-A-C.
Other names: short protein forms K148Q.
Identifiers: ClinVar variation 3453858 (VCV003453858.3).